The following is an entry in ClinVar:

NM_014855.3(AP5Z1):c.*2093A>G

Gene: AP5Z1 (adaptor related protein complex 5 subunit zeta 1; plus strand). Cytogenetic location: 7p22.1.
Variant type: single nucleotide variant.
Coding change: c.*2093A>G on transcript NM_014855.3 (MANE Select); 2093 bases downstream of the stop codon, A replaced by G.
Molecular consequence: 3 prime UTR variant. On other transcripts: non-coding transcript variant (1).
Genome position (GRCh38, 1-based): chr7:4,793,478, A>G. VCF-style: chr7-4793478-A-G. GRCh37 (hg19) VCF-style: chr7-4833109-A-G.
Other names: c.*2093A>G (LRG_1247t1, NM_001364858.1).
Identifiers: ClinVar variation 360397 (VCV000360397.6), dbSNP rs7784925, ClinGen allele CA10629216.
Genomic context (GRCh38, chr7:4,793,478, plus strand): 5'-CCACTTTGGCAGCACTTGAGGAGCCCTTCAGCCCGCCACTGCACTGTGGGAGCCCCTTTC[A>G]GGGCTGGCCAAGGCCGGAGCCGGCTCCCTCAGCTTGCGGGGAGGTGTGGAGGGAGAGGCG-3'

ClinVar aggregate classification (germline): Likely benign. Review status: criteria provided, multiple submitters, no conflicts (2 of 4 stars). 2 submissions from 2 submitters: Likely benign (2). Last evaluated 2017-04-27.

Conditions:
Hereditary spastic paraplegia 48. Also called: SPASTIC PARAPLEGIA 48, AUTOSOMAL RECESSIVE; Spastic paraplegia 48. Identifiers: Orphanet 306511, MedGen C3150901, MONDO:0013342, OMIM 613647.

Allele frequency attached by ClinVar (database versions not stated): gnomAD exomes 0.00984; 1000 Genomes Project 0.05052; gnomAD 0.05412 and 0.05677; 1000 Genomes Project 30x 0.05450; TOPMed 0.05963.
gnomAD v4.1: 8,215 of 152,806 alleles (5.4%); highest among the groups gnomAD compares: African/African-American, 13%; 419 homozygotes.

Submissions (2):

Illumina Laboratory Services, Illumina
Classification: Likely benign for Hereditary spastic paraplegia 48. Last evaluated: 2017-04-27. Review status: criteria provided, single submitter. Criteria: ICSL Variant Classification Criteria 13 December 2019. Collection method: clinical testing. Allele origin: germline.
Comment: This variant was observed as part of a predisposition screen in an ostensibly healthy population. A literature search was performed for the gene, cDNA change, and amino acid change (where applicable). No publications were found based on this search. Allele frequency data from public databases allowed determination this variant is unlikely to cause disease. Therefore, this variant is classified as likely benign.

Breakthrough Genomics
Classification: Likely benign. Review status: criteria provided, single submitter. Criteria: ACMG Guidelines, 2015. Collection method: not provided. Allele origin: germline. Inheritance: Autosomal recessive inheritance. Affected: yes.